The following is an entry in ClinVar:

NM_001363711.2(DUOX2):c.4408C>A (p.Arg1470=)

Gene: DUOX2 (dual oxidase 2; minus strand). Cytogenetic location: 15q21.1.
Variant type: single nucleotide variant.
Coding change: c.4408C>A on transcript NM_001363711.2 (MANE Select); coding-DNA position 4408, C replaced by A.
Protein change: p.Arg1470=; no amino-acid change (arginine 1470 retained).
Molecular consequence: synonymous variant.
Genome position (GRCh38, 1-based): chr15:45,094,679, G>T on the plus strand (C>A on the coding strand, the complement: DUOX2 is on the minus strand). VCF-style: chr15-45094679-G-T. GRCh37 (hg19) VCF-style: chr15-45386877-G-T.
Other names: c.4408C>A, p.Arg1470= (NM_014080.5).
Identifiers: ClinVar variation 316137 (VCV000316137.18), dbSNP rs200785525, ClinGen allele CA7537517.

ClinVar aggregate classification (germline): Conflicting classifications of pathogenicity. Review status: criteria provided, conflicting classifications (1 of 4 stars). 4 submissions from 4 submitters: Uncertain significance (1); Likely benign (3). Last evaluated 2026-05-21.

Conditions:
Thyroid dyshormonogenesis 6 (TDH6). Also called: HYPOTHYROIDISM, CONGENITAL, DUE TO DYSHORMONOGENESIS, 6; Genetic transient congenital hypothyroidism; THYROID HORMONOGENESIS, GENETIC DEFECT IN, 6. Identifiers: Orphanet 226316, Orphanet 95716, MedGen C1846632, MONDO:0011792, OMIM 607200.

Allele frequency attached by ClinVar (database versions not stated): TOPMed 0.00002; 1000 Genomes Project 30x 0.00016.
gnomAD v4.1: 47 of 1,613,972 alleles (0.0029%); highest among the groups gnomAD compares: East Asian, 0.027%; 1 homozygote.

Submissions (4):

Women's Health and Genetics/Laboratory Corporation of America, LabCorp
Classification: Likely benign. Last evaluated: 2026-05-21. Review status: criteria provided, single submitter. Criteria: LabCorp Variant Classification Summary - May 2015. Collection method: clinical testing. Allele origin: germline.
Comment: Variant summary: DUOX2 c.4408C>A alters a conserved nucleotide resulting in a synonymous change. Consensus agreement among computation tools predict no significant impact on normal splicing. However, these predictions have yet to be confirmed by functional studies. The variant allele was found at a frequency of 1.2e-05 in 250652 control chromosomes. The available data on variant occurrences in the general population are insufficient to allow any conclusion about variant significance. To our knowledge, no occurrence of c.4408C>A in individuals affected with DUOX2-related conditions and no experimental evidence demonstrating its impact on protein function have been reported. ClinVar contains an entry for this variant (Variation ID: 316137). Based on the evidence outlined above, the variant was classified as likely benign.

Labcorp Genetics (formerly Invitae), Labcorp
Classification: Likely benign. Last evaluated: 2026-01-02. Review status: criteria provided, single submitter. Criteria: Invitae Variant Classification Sherloc (09022015). Collection method: clinical testing. Allele origin: germline.

Blueprint Genetics
Classification: Likely benign. Last evaluated: 2024-09-20. Review status: criteria provided, single submitter. Criteria: ACMG Guidelines, 2015. Collection method: clinical testing. Allele origin: germline.

Illumina Laboratory Services, Illumina
Classification: Uncertain significance for Thyroid dyshormonogenesis 6. Last evaluated: 2018-01-12. Review status: criteria provided, single submitter. Criteria: ICSL Variant Classification Criteria 13 December 2019. Collection method: clinical testing. Allele origin: germline.